The following is an entry in ClinVar:

NM_006015.6(ARID1A):c.4120G>A (p.Asp1374Asn)

Gene: ARID1A (AT-rich interaction domain 1A; plus strand). Cytogenetic location: 1p36.11.
Variant type: single nucleotide variant.
Coding change: c.4120G>A on transcript NM_006015.6 (MANE Select); coding-DNA position 4120, G replaced by A.
Protein change: p.Asp1374Asn; replaces aspartic acid 1374 with asparagine.
Molecular consequence: missense variant. On other transcripts: intron variant (1).
Genome position (GRCh38, 1-based): chr1:26,774,347, G>A. VCF-style: chr1-26774347-G-A. GRCh37 (hg19) VCF-style: chr1-27100838-G-A.
Other names: c.4101+449G>A (NM_139135.4); short protein forms D1374N.
Identifiers: ClinVar variation 3647961 (VCV003647961.2).

ClinVar aggregate classification (germline): Uncertain significance (1 of 4 stars; one submission).

Submission:

Labcorp Genetics (formerly Invitae), Labcorp
Classification: Uncertain significance. Last evaluated: 2024-03-28. Review status: criteria provided, single submitter. Criteria: Invitae Variant Classification Sherloc (09022015). Collection method: clinical testing. Allele origin: germline.
Comment: This sequence change replaces aspartic acid, which is acidic and polar, with asparagine, which is neutral and polar, at codon 1374 of the ARID1A protein (p.Asp1374Asn). This variant is not present in population databases (gnomAD no frequency). This variant has not been reported in the literature in individuals affected with ARID1A-related conditions. Advanced modeling of protein sequence and biophysical properties (such as structural, functional, and spatial information, amino acid conservation, physicochemical variation, residue mobility, and thermodynamic stability) performed at Invitae indicates that this missense variant is not expected to disrupt ARID1A protein function with a negative predictive value of 80%. In summary, the available evidence is currently insufficient to determine the role of this variant in disease. Therefore, it has been classified as a Variant of Uncertain Significance.